The following is an entry in ClinVar:

ClinVar aggregate classification (germline): Uncertain significance (1 of 4 stars; one submission).

Submission:

Ambry Genetics
Classification: Uncertain significance. Last evaluated: 2024-02-26. Review status: criteria provided, single submitter. Criteria: Ambry Variant Classification Scheme 2023. Collection method: clinical testing. Allele origin: germline.
Comment: The p.S1097G variant (also known as c.3289A>G), located in coding exon 4 of the ALPK2 gene, results from an A to G substitution at nucleotide position 3289. The serine at codon 1097 is replaced by glycine, an amino acid with similar properties. This amino acid position is conserved. In addition, this alteration is predicted to be tolerated by in silico analysis. Based on the available evidence, the clinical significance of this alteration remains unclear.

NM_052947.4(ALPK2):c.3289A>G (p.Ser1097Gly)

Gene: ALPK2 (alpha kinase 2; minus strand). Cytogenetic location: 18q21.31.
Variant type: single nucleotide variant.
Coding change: c.3289A>G on transcript NM_052947.4 (MANE Select); coding-DNA position 3289, A replaced by G.
Protein change: p.Ser1097Gly; replaces serine 1097 with glycine.
Molecular consequence: missense variant.
Genome position (GRCh38, 1-based): chr18:58,536,898, T>C on the plus strand (A>G on the coding strand, the complement: ALPK2 is on the minus strand). VCF-style: chr18-58536898-T-C. GRCh37 (hg19) VCF-style: chr18-56204130-T-C.
Other names: short protein forms S1097G.
Identifiers: ClinVar variation 3228683 (VCV003228683.1), dbSNP rs2518876643, ClinGen allele CA402568702.